The following is an entry in ClinVar:

NM_005591.4(MRE11):c.1108A>G (p.Ser370Gly)

Gene: MRE11 (MRE11 double strand break repair nuclease; minus strand). Cytogenetic location: 11q21.
Variant type: single nucleotide variant.
Coding change: c.1108A>G on transcript NM_005591.4 (MANE Select); coding-DNA position 1108, A replaced by G.
Protein change: p.Ser370Gly; replaces serine 370 with glycine.
Molecular consequence: missense variant.
Genome position (GRCh38, 1-based): chr11:94,464,230, T>C on the plus strand (A>G on the coding strand, the complement: MRE11 is on the minus strand). VCF-style: chr11-94464230-T-C. GRCh37 (hg19) VCF-style: chr11-94197396-T-C.
Other names: c.1108A>G, p.Ser370Gly (NM_001330347.2, NM_005590.4); short protein forms S370G.
Identifiers: ClinVar variation 481771 (VCV000481771.6), dbSNP rs1555010957, ClinGen allele CA382373059.

ClinVar aggregate classification (germline): Uncertain significance (1 of 4 stars; one submission).

Conditions:
Hereditary cancer-predisposing syndrome. Also called: Neoplastic Syndromes, Hereditary; Tumor predisposition; Hereditary Cancer Syndrome; Hereditary neoplastic syndrome. Identifiers: Orphanet 140162, MedGen C0027672, MeSH D009386, MONDO:0015356.

Submission:

Ambry Genetics
Classification: Uncertain significance for Hereditary cancer-predisposing syndrome. Last evaluated: 2023-09-09. Review status: criteria provided, single submitter. Criteria: Ambry Variant Classification Scheme 2023. Collection method: clinical testing. Allele origin: germline.
Comment: The p.S370G variant (also known as c.1108A>G), located in coding exon 10 of the MRE11A gene, results from an A to G substitution at nucleotide position 1108. The serine at codon 370 is replaced by glycine, an amino acid with similar properties. This variant was not reported in population based cohorts in the following databases: Database of Single Nucleotide Polymorphisms (dbSNP), NHLBI Exome Sequencing Project (ESP), and 1000 Genomes Project. In the ESP, this variant was not observed in 6499 samples (12998 alleles) with coverage at this position. To date, this alteration has been detected with an allele frequency of approximately 0.001% (greater than 175000 alleles tested) in our clinical cohort. This amino acid position is well conserved in available vertebrate species. In addition, the in silico prediction for this alteration is inconclusive. Since supporting evidence is limited at this time, the clinical significance of this alteration remains unclear.